The following is an entry in ClinVar:

ClinVar aggregate classification (germline): Uncertain significance (1 of 4 stars; one submission).

Allele frequency attached by ClinVar (database versions not stated): 1000 Genomes Project 30x 0.00016; 1000 Genomes Project 0.00020.
gnomAD v4.1: 1 of 1,613,628 alleles (0.000062%); highest among the groups gnomAD compares: African/African-American, 0.0013%; no homozygotes.

Submission:

Women's Health and Genetics/Laboratory Corporation of America, LabCorp
Classification: Uncertain significance. Last evaluated: 2021-10-11. Review status: criteria provided, single submitter. Criteria: LabCorp Variant Classification Summary - May 2015. Collection method: clinical testing. Allele origin: germline.
Comment: Variant summary: TTN c.86929C>A (p.Arg28977Ser) results in a non-conservative amino acid change located in the A-band domain of the encoded protein sequence. Four of five in-silico tools predict a damaging effect of the variant on protein function. The variant was absent in 247940 control chromosomes (gnomAD). The available data on variant occurrences in the general population are insufficient to allow any conclusion about variant significance. To our knowledge, no occurrence of c.86929C>A in individuals affected with Dilated Cardiomyopathy and no experimental evidence demonstrating its impact on protein function have been reported. No clinical diagnostic laboratories have submitted clinical-significance assessments for this variant to ClinVar after 2014. Based on the evidence outlined above, the variant was classified as uncertain significance.

NM_001267550.2(TTN):c.94633C>A (p.Arg31545Ser)

Genes: TTN (titin; minus strand), TTN-AS1 (TTN antisense RNA 1; plus strand). Cytogenetic location: 2q31.2.
Variant type: single nucleotide variant.
Coding change: c.94633C>A on transcript NM_001267550.2 (MANE Select); coding-DNA position 94633, C replaced by A.
Protein change: p.Arg31545Ser; replaces arginine 31545 with serine.
Molecular consequence: missense variant.
Genome position (GRCh38, 1-based): chr2:178,546,795, G>T on the plus strand (C>A on the coding strand, the complement: TTN is on the minus strand). VCF-style: chr2-178546795-G-T. GRCh37 (hg19) VCF-style: chr2-179411522-G-T.
Other names: c.89710C>A, p.Arg29904Ser (NM_001256850.1); c.67438C>A, p.Arg22480Ser (NM_003319.4); c.86929C>A, p.Arg28977Ser (NM_133378.4); c.67813C>A, p.Arg22605Ser (NM_133432.3); c.68014C>A, p.Arg22672Ser (NM_133437.4); short protein forms R22480S, R22605S, R22672S, R28977S, R29904S, R31545S.
Identifiers: ClinVar variation 1321369 (VCV001321369.1), dbSNP rs202187398, ClinGen allele CA60972596.